The following is an entry in ClinVar:

NM_001999.4(FBN2):c.3343+1996C>T

Gene: FBN2 (fibrillin 2; minus strand). Cytogenetic location: 5q23.3.
Variant type: single nucleotide variant.
Coding change: c.3343+1996C>T on transcript NM_001999.4 (MANE Select); 1996 bases into the intron after coding-DNA position 3343, C replaced by T.
Molecular consequence: intron variant.
Genome position (GRCh38, 1-based): chr5:128,342,389, G>A on the plus strand (C>T on the coding strand, the complement: FBN2 is on the minus strand). VCF-style: chr5-128342389-G-A. GRCh37 (hg19) VCF-style: chr5-127678081-G-A.
Identifiers: ClinVar variation 1710366 (VCV001710366.3), dbSNP rs1751046641, ClinGen allele CA1081361900.
Genomic context (GRCh38, chr5:128,342,389, plus strand): 5'-AGATTTGGCAAGCAGAGGTCCAGGAGAGATGTTTTAACACCACAAAGATGTTTTGCAAGA[G>A]TAGATGAGTATACATGTATGTGCCTGAGTGACAGAGGGCAAAAGTCAAAATTACAGGACA-3'

ClinVar aggregate classification (germline): Uncertain significance (1 of 4 stars; one submission).

Allele frequency attached by ClinVar (database versions not stated): TOPMed below 0.00001; gnomAD 0.00001.
gnomAD v4.1: 2 of 152,090 alleles (0.0013%); highest among the groups gnomAD compares: Non-Finnish European, 0.0029%; no homozygotes.

Submission:

Greenwood Genetic Center Diagnostic Laboratories, Greenwood Genetic Center
Classification: Uncertain significance. Last evaluated: 2022-08-23. Review status: criteria provided, single submitter. Criteria: ACMG Guidelines, 2015. Collection method: clinical testing. Allele origin: germline. Affected: yes.
Comment: No Applicable ACMG Criteria